The following is an entry in ClinVar:

NM_000051.4(ATM):c.7526dup (p.Met2509fs)

Genes: ATM (ATM serine/threonine kinase; plus strand), C11orf65 (chromosome 11 open reading frame 65; minus strand). Cytogenetic location: 11q22.3.
Variant type: Duplication.
Coding change: c.7526dup on transcript NM_000051.4 (MANE Select); coding-DNA position 7526, one base duplicated (T; older notation c.7526dupT).
Protein change: p.Met2509fs; shifts the reading frame from methionine 2509.
Molecular consequence: frameshift variant. On other transcripts: non-coding transcript variant (1), intron variant (2).
Genome position (GRCh38, 1-based): chr11:108,331,454, T duplicated. VCF-style (leftmost placement, unchanged base first): chr11-108331453-A-AT. GRCh37 (hg19) VCF-style: chr11-108202180-A-AT.
Other names: c.7526dupT (NM_000051.3); c.7526dup, p.Met2509fs (NM_001351834.2); c.641-22383dup (NM_001330368.2); c.*38+3766dup (NM_001351110.2); short protein forms M2509fs.
Identifiers: ClinVar variation 1759347 (VCV001759347.7), dbSNP rs2547273506, ClinGen allele CA2580083381.

ClinVar aggregate classification (germline): Pathogenic. Review status: criteria provided, multiple submitters, no conflicts (2 of 4 stars). 2 submissions from 2 submitters: Pathogenic (2). Last evaluated 2022-10-04.

Conditions:
Ataxia-telangiectasia syndrome (AT). Also called: Ataxia telangiectasia (A-T); LOUIS-BAR SYNDROME; Cerebello-oculocutaneous telangiectasia; Immunodeficiency with ataxia telangiectasia; Ataxia-telangiectasia, complementation group D; AT, COMPLEMENTATION GROUP C. Identifiers: Orphanet 100, MedGen C0004135, MONDO:0008840, OMIM 208900.
Hereditary cancer-predisposing syndrome. Also called: Hereditary neoplastic syndrome; Neoplastic Syndromes, Hereditary; Tumor predisposition; Hereditary Cancer Syndrome. Identifiers: Orphanet 140162, MedGen C0027672, MeSH D009386, MONDO:0015356.

Submissions (2):

Labcorp Genetics (formerly Invitae), Labcorp
Classification: Pathogenic for Ataxia-telangiectasia syndrome. Last evaluated: 2022-10-04. Review status: criteria provided, single submitter. Criteria: Invitae Variant Classification Sherloc (09022015). Collection method: clinical testing. Allele origin: germline.
Comment: This sequence change creates a premature translational stop signal (p.Met2509Ilefs*7) in the ATM gene. It is expected to result in an absent or disrupted protein product. Loss-of-function variants in ATM are known to be pathogenic (PMID: 23807571, 25614872). This variant is not present in population databases (gnomAD no frequency). This variant has not been reported in the literature in individuals affected with ATM-related conditions. For these reasons, this variant has been classified as Pathogenic.

Ambry Genetics
Classification: Pathogenic for Hereditary cancer-predisposing syndrome. Last evaluated: 2017-10-09. Review status: criteria provided, single submitter. Criteria: Ambry Variant Classification Scheme 2023. Collection method: clinical testing. Allele origin: germline.
Comment: The c.7526dupT pathogenic mutation, located in coding exon 50 of the ATM gene, results from a duplication of T at nucleotide position 7526, causing a translational frameshift with a predicted alternate stop codon (p.M2509Ifs*7). This alteration is expected to result in loss of function by premature protein truncation or nonsense-mediated mRNA decay. As such, this alteration is interpreted as a disease-causing mutation.

Literature cited by the submitters: PubMed 23807571 (cited by Labcorp Genetics (formerly Invitae), Labcorp); PubMed 25614872 (cited by Labcorp Genetics (formerly Invitae), Labcorp).